The following is an entry in ClinVar:

ClinVar aggregate classification (germline): Uncertain significance. Review status: criteria provided, multiple submitters, no conflicts (2 of 4 stars). 2 submissions from 2 submitters: Uncertain significance (2). Last evaluated 2024-12-03.

Conditions:
Cataract 38. Also called: Cataract, autosomal recessive congenital 5; Cataract 38, autosomal recessive. Identifiers: Orphanet 91492, MedGen C3553494, MONDO:0013859, OMIM 614691.
Sengers syndrome. Also called: MITOCHONDRIAL DNA DEPLETION SYNDROME 10 (CARDIOMYOPATHIC TYPE); Cardiomyopathy and cataract. Identifiers: Orphanet 1369, MedGen C1859317, MONDO:0008922, OMIM 212350.

Allele frequency attached by ClinVar (database versions not stated): gnomAD 0.00001; gnomAD exomes 0.00001; ExAC 0.00002; TOPMed 0.00003.
gnomAD v4.1: 5 of 1,613,904 alleles (0.00031%); highest among the groups gnomAD compares: Admixed American, 0.0083%; no homozygotes.

Submissions (2):

GeneDx
Classification: Uncertain significance. Last evaluated: 2024-12-03. Review status: criteria provided, single submitter. Criteria: GeneDx Variant Classification Process June 2021. Collection method: clinical testing. Allele origin: germline. Affected: yes.
Comment: In silico analysis indicates that this missense variant does not alter protein structure/function; Has not been previously published as pathogenic or benign to our knowledge

Labcorp Genetics (formerly Invitae), Labcorp
Classification: Uncertain significance for Sengers syndrome; Cataract 38. Last evaluated: 2021-12-09. Review status: criteria provided, single submitter. Criteria: Invitae Variant Classification Sherloc (09022015). Collection method: clinical testing. Allele origin: germline.
Comment: In summary, the available evidence is currently insufficient to determine the role of this variant in disease. Therefore, it has been classified as a Variant of Uncertain Significance. Algorithms developed to predict the effect of missense changes on protein structure and function (SIFT, PolyPhen-2, Align-GVGD) all suggest that this variant is likely to be tolerated. This variant has not been reported in the literature in individuals affected with AGK-related conditions. This variant is present in population databases (rs745852457, gnomAD 0.01%). This sequence change replaces glutamic acid, which is acidic and polar, with glycine, which is neutral and non-polar, at codon 259 of the AGK protein (p.Glu259Gly).

NM_018238.4(AGK):c.776A>G (p.Glu259Gly)

Gene: AGK (acylglycerol kinase; plus strand). Cytogenetic location: 7q34.
Variant type: single nucleotide variant.
Coding change: c.776A>G on transcript NM_018238.4 (MANE Select); coding-DNA position 776, A replaced by G.
Protein change: p.Glu259Gly; replaces glutamic acid 259 with glycine.
Molecular consequence: missense variant.
Genome position (GRCh38, 1-based): chr7:141,641,297, A>G. VCF-style: chr7-141641297-A-G. GRCh37 (hg19) VCF-style: chr7-141341097-A-G.
Other names: c.776A>G (NM_018238.3); c.776A>G, p.Glu259Gly (NM_001364948.3); short protein forms E259G.
Identifiers: ClinVar variation 2152571 (VCV002152571.5), dbSNP rs745852457, ClinGen allele CA4517582.